The following is an entry in ClinVar:

NM_001164508.2(NEB):c.6562G>T (p.Glu2188Ter)

Gene: NEB (nebulin; minus strand). Cytogenetic location: 2q23.3.
Variant type: single nucleotide variant.
Coding change: c.6562G>T on transcript NM_001164508.2 (MANE Select); coding-DNA position 6562, G replaced by T.
Protein change: p.Glu2188Ter; replaces glutamic acid 2188 with a stop codon.
Molecular consequence: nonsense.
Genome position (GRCh38, 1-based): chr2:151,655,957, C>A on the plus strand (G>T on the coding strand, the complement: NEB is on the minus strand). VCF-style: chr2-151655957-C-A. GRCh37 (hg19) VCF-style: chr2-152512471-C-A.
Other names: c.6562G>T, p.Glu2188Ter (NM_001164507.2, NM_001271208.2, NM_004543.5); short protein forms E2188*.
Identifiers: ClinVar variation 3234853 (VCV003234853.1), dbSNP rs2099082085, ClinGen allele CA348797522.

ClinVar aggregate classification (germline): Likely pathogenic (1 of 4 stars; one submission).

Conditions:
Nemaline myopathy 2 (NEM2). Also called: Nemaline myopathy 2, autosomal recessive. Identifiers: MedGen C1850569, MONDO:0009725, OMIM 256030.

Submission:

Neuberg Centre For Genomic Medicine, NCGM
Classification: Likely pathogenic for Nemaline myopathy 2. Review status: criteria provided, single submitter. Criteria: ACMG Guidelines, 2015. Collection method: clinical testing. Allele origin: germline. Inheritance: Autosomal recessive inheritance. Affected: yes.
Comment: The stop gained variant c.6562G>Tp.Glu2188Ter in NEB gene has not been reported previously as a pathogenic variant nor as a benign variant, to our knowledge. The variant is novel not in any individuals in gnomAD Exomes and 1000 Genomes. This variant is predicted to cause loss of normal protein function through protein truncation. Loss of function variants have been previously reported to be disease causing Lehtokari VL, et al., 2014. For these reasons, this variant has been classified as Likely Pathogenic.